The following is an entry in ClinVar:

ClinVar aggregate classification (germline): Uncertain significance (1 of 4 stars; one submission).

Allele frequency attached by ClinVar (database versions not stated): TOPMed below 0.00001; gnomAD 0.00001.
gnomAD v4.1: 2 of 1,612,810 alleles (0.00012%); highest among the groups gnomAD compares: African/African-American, 0.0027%; no homozygotes.

Submission:

Labcorp Genetics (formerly Invitae), Labcorp
Classification: Uncertain significance. Last evaluated: 2021-05-12. Review status: criteria provided, single submitter. Criteria: Invitae Variant Classification Sherloc (09022015). Collection method: clinical testing. Allele origin: germline.
Comment: This sequence change replaces glycine with glutamic acid at codon 552 of the RHOBTB2 protein (p.Gly552Glu). The glycine residue is highly conserved and there is a moderate physicochemical difference between glycine and glutamic acid. In summary, the available evidence is currently insufficient to determine the role of this variant in disease. Therefore, it has been classified as a Variant of Uncertain Significance. Algorithms developed to predict the effect of missense changes on protein structure and function are either unavailable or do not agree on the potential impact of this missense change (SIFT: "Tolerated"; PolyPhen-2: "Probably Damaging"; Align-GVGD: "Class C0"). This variant has not been reported in the literature in individuals with RHOBTB2-related conditions. This variant is not present in population databases (ExAC no frequency).

NM_015178.3(RHOBTB2):c.1589G>A (p.Gly530Glu)

Gene: RHOBTB2 (Rho related BTB domain containing 2; plus strand). Cytogenetic location: 8p21.3.
Variant type: single nucleotide variant.
Coding change: c.1589G>A on transcript NM_015178.3 (MANE Select); coding-DNA position 1589, G replaced by A.
Protein change: p.Gly530Glu; replaces glycine 530 with glutamic acid.
Molecular consequence: missense variant.
Genome position (GRCh38, 1-based): chr8:23,008,080, G>A. VCF-style: chr8-23008080-G-A. GRCh37 (hg19) VCF-style: chr8-22865593-G-A.
Other names: c.1655G>A, p.Gly552Glu (NM_001160036.2); c.1610G>A, p.Gly537Glu (NM_001160037.2); c.1589G>A, p.Gly530Glu (NM_001374791.1); short protein forms G537E, G530E, G552E.
Identifiers: ClinVar variation 1394797 (VCV001394797.8), dbSNP rs1255503970, ClinGen allele CA370570541.